The following is an entry in ClinVar:

NM_000264.5(PTCH1):c.3681_3682del (p.Gln1228fs)

Gene: PTCH1 (patched 1; minus strand). Cytogenetic location: 9q22.32.
Variant type: Deletion.
Coding change: c.3681_3682del on transcript NM_000264.5 (MANE Select); coding-DNA positions 3681 to 3682, 2 bases deleted (CC; older notation c.3681_3682delCC).
Protein change: p.Gln1228fs; shifts the reading frame from glutamine 1228.
Molecular consequence: frameshift variant. On other transcripts: non-coding transcript variant (1).
Genome position (GRCh38, 1-based): chr9:95,449,191-95,449,192, GG deleted on the plus strand (CC on the coding strand, the reverse complement: PTCH1 is on the minus strand); deleting any 2 consecutive bases within chr9:95,449,191-95,449,193 gives the same sequence; the c. name uses the placement nearest the transcript's 3' end. VCF-style (leftmost placement, unchanged base first): chr9-95449190-TGG-T. GRCh37 (hg19) VCF-style: chr9-98211472-TGG-T.
Other names: c.3483_3484del, p.Gln1162fs (NM_001083602.3); c.3678_3679del, p.Gln1227fs (NM_001083603.3); c.3228_3229del, p.Gln1077fs (NM_001083604.3, NM_001083605.3, NM_001083606.3 and 1 more transcripts); c.3525_3526del, p.Gln1176fs (NM_001354918.2); c.3681_3682delCC (NM_000264.3); short protein forms Q1162fs, Q1228fs, Q1077fs, Q1176fs, Q1227fs.
Identifiers: ClinVar variation 1733884 (VCV001733884.2), dbSNP rs2538014273, ClinGen allele CA2580081101.

ClinVar aggregate classification (germline): Uncertain significance (1 of 4 stars; one submission).

Conditions:
Hereditary cancer-predisposing syndrome. Also called: Neoplastic Syndromes, Hereditary; Tumor predisposition; Hereditary Cancer Syndrome; Hereditary neoplastic syndrome. Identifiers: Orphanet 140162, MedGen C0027672, MeSH D009386, MONDO:0015356.

Submission:

Ambry Genetics
Classification: Uncertain significance for Hereditary cancer-predisposing syndrome. Last evaluated: 2022-09-29. Review status: criteria provided, single submitter. Criteria: Ambry Variant Classification Scheme 2023. Collection method: clinical testing. Allele origin: germline.
Comment: The c.3681_3682delCC variant, located in coding exon 22 of the PTCH1 gene, results from a deletion of two nucleotides at nucleotide positions 3681 to 3682, causing a translational frameshift with a predicted alternate stop codon (p.Q1228Dfs*96). Premature stop codons are typically deleterious in nature, and although this alteration is expected to result in loss of function by premature protein truncation or nonsense-mediated mRNA decay, it occurs near the 3' terminus of PTCH1 where no known functional domains are located. Alterations in this region have been observed in individuals who do not have a personal or family history that is consistent with or suggestive of PTCH1-associated disease (Ambry internal data). The exact functional effect of this alteration is unknown. Since supporting evidence is limited at this time, the clinical significance of this alteration remains unclear.